The following is an entry in ClinVar:

ClinVar aggregate classification (germline): Uncertain significance (1 of 4 stars; one submission).

Submission:

Ambry Genetics
Classification: Uncertain significance. Last evaluated: 2025-01-27. Review status: criteria provided, single submitter. Criteria: Ambry Variant Classification Scheme 2023. Collection method: clinical testing. Allele origin: germline.
Comment: The p.L375W variant (also known as c.1124T>G), located in coding exon 10 of the GEN1 gene, results from a T to G substitution at nucleotide position 1124. The leucine at codon 375 is replaced by tryptophan, an amino acid with similar properties. This amino acid position is conserved. In addition, the in silico prediction for this alteration is inconclusive. Based on the available evidence, the clinical significance of this variant remains unclear.

NM_001130009.3(GEN1):c.1124T>G (p.Leu375Trp)

Gene: GEN1 (GEN1 Holliday junction 5' flap endonuclease; plus strand). Cytogenetic location: 2p24.2.
Variant type: single nucleotide variant.
Coding change: c.1124T>G on transcript NM_001130009.3 (MANE Select); coding-DNA position 1124, T replaced by G.
Protein change: p.Leu375Trp; replaces leucine 375 with tryptophan.
Molecular consequence: missense variant.
Genome position (GRCh38, 1-based): chr2:17,774,323, T>G. VCF-style: chr2-17774323-T-G. GRCh37 (hg19) VCF-style: chr2-17955590-T-G.
Other names: c.1124T>G, p.Leu375Trp (NM_182625.5); short protein forms L375W.
Identifiers: ClinVar variation 3853530 (VCV003853530.1).